The following is an entry in ClinVar:

NM_003764.4(STX11):c.490C>T (p.Gln164Ter)

Gene: STX11 (syntaxin 11; plus strand). Cytogenetic location: 6q24.2.
Variant type: single nucleotide variant.
Coding change: c.490C>T on transcript NM_003764.4 (MANE Select); coding-DNA position 490, C replaced by T.
Protein change: p.Gln164Ter; replaces glutamine 164 with a stop codon.
Molecular consequence: nonsense.
Genome position (GRCh38, 1-based): chr6:144,187,117, C>T. VCF-style: chr6-144187117-C-T. GRCh37 (hg19) VCF-style: chr6-144508254-C-T.
Other names: short protein forms Q164*.
Identifiers: ClinVar variation 2829742 (VCV002829742.3), dbSNP rs2533803043, ClinGen allele CA365949350.
Genomic context (GRCh38, chr6:144,187,117, plus strand): 5'-CACGACTACAACCAGGCCGAGATGAAGCAGCGCGACAACTGCAAGATCCGCATCCAGCGC[C>T]AGCTGGAGATCATGGGCAAGGAAGTCTCGGGCGACCAGATCGAGGACATGTTCGAGCAGG-3'

ClinVar aggregate classification (germline): Pathogenic (1 of 4 stars; one submission).

Conditions:
Familial hemophagocytic lymphohistiocytosis 4 (FHL4). Also called: STX11-Related Familial Hemophagocytic Lymphohistiocytosis (STX11-fHLH). Identifiers: Orphanet 540, MedGen C1863728, MONDO:0011336, OMIM 603552.

Allele frequency attached by ClinVar (database versions not stated): gnomAD exomes below 0.00001.

Submission:

Labcorp Genetics (formerly Invitae), Labcorp
Classification: Pathogenic for Familial hemophagocytic lymphohistiocytosis 4. Last evaluated: 2025-04-24. Review status: criteria provided, single submitter. Criteria: Invitae Variant Classification Sherloc (09022015). Collection method: clinical testing. Allele origin: germline.
Comment: This sequence change creates a premature translational stop signal (p.Gln164*) in the STX11 gene. While this is not anticipated to result in nonsense mediated decay, it is expected to disrupt the last 124 amino acid(s) of the STX11 protein. This variant is not present in population databases (gnomAD no frequency). This variant has not been reported in the literature in individuals affected with STX11-related conditions. ClinVar contains an entry for this variant (Variation ID: 2829742). This variant disrupts a region of the STX11 protein in which other variant(s) (p.Q268*) have been determined to be pathogenic (PMID: 16582076, 17525286). This suggests that this is a clinically significant region of the protein, and that variants that disrupt it are likely to be disease-causing. For these reasons, this variant has been classified as Pathogenic.

Literature cited by the submitters: PubMed 16582076; PubMed 17525286.